The following is an entry in ClinVar:

NM_001379500.1(COL18A1):c.2674G>A (p.Gly892Arg)

Gene: COL18A1 (collagen type XVIII alpha 1 chain; plus strand). Cytogenetic location: 21q22.3.
Variant type: single nucleotide variant.
Coding change: c.2674G>A on transcript NM_001379500.1 (MANE Select); coding-DNA position 2674, G replaced by A.
Protein change: p.Gly892Arg; replaces glycine 892 with arginine.
Molecular consequence: missense variant.
Genome position (GRCh38, 1-based): chr21:45,497,652, G>A. VCF-style: chr21-45497652-G-A. GRCh37 (hg19) VCF-style: chr21-46917566-G-A.
Other names: c.3214G>A (NM_030582.3); c.3214G>A, p.Gly1072Arg (NM_030582.4); c.3919G>A, p.Gly1307Arg (NM_130444.3); short protein forms G1072R, G1307R, G892R.
Identifiers: ClinVar variation 1477664 (VCV001477664.6), dbSNP rs576719084, ClinGen allele CA10067266.

ClinVar aggregate classification (germline): Uncertain significance. Review status: criteria provided, multiple submitters, no conflicts (2 of 4 stars). 4 submissions from 4 submitters: Uncertain significance (4). Last evaluated 2026-07-01.

Conditions:
COL18A1-related disorder. Also called: COL18A1-related condition; COL18A1-related disorders.

Allele frequency attached by ClinVar (database versions not stated): gnomAD exomes 0.00003 and 0.00006; ExAC 0.00004; gnomAD 0.00006 and 0.00007; TOPMed 0.00007; 1000 Genomes Project 0.00020; 1000 Genomes Project 30x 0.00031.
gnomAD v4.1: 92 of 1,567,046 alleles (0.0059%); highest among the groups gnomAD compares: Non-Finnish European, 0.0069%; no homozygotes.

Submissions (4):

CeGaT Center for Human Genetics Tuebingen
Classification: Uncertain significance. Last evaluated: 2026-07-01. Review status: criteria provided, single submitter. Criteria: CeGaT Center For Human Genetics Tuebingen Variant Classification Criteria Version 2. Collection method: clinical testing. Allele origin: germline. Affected: yes. Observed: 1 variant allele.
Comment: COL18A1: PM2, PP3

PreventionGenetics, part of Exact Sciences
Classification: Uncertain significance for COL18A1-related condition. Last evaluated: 2026-02-05. Review status: criteria provided, single submitter. Criteria: ACMG Guidelines, 2015. Collection method: clinical testing. Allele origin: germline.
Comment: The COL18A1 c.3214G>A variant is predicted to result in the amino acid substitution p.Gly1072Arg. To our knowledge, this variant has not been reported in the literature. This variant is reported in 0.0055% of alleles in individuals of African descent in gnomAD. At this time, the clinical significance of this variant is uncertain due to the absence of conclusive functional and genetic evidence.

Labcorp Genetics (formerly Invitae), Labcorp
Classification: Uncertain significance. Last evaluated: 2022-07-30. Review status: criteria provided, single submitter. Criteria: Invitae Variant Classification Sherloc (09022015). Collection method: clinical testing. Allele origin: germline.
Comment: This sequence change replaces glycine, which is neutral and non-polar, with arginine, which is basic and polar, at codon 892 of the COL18A1 protein (p.Gly892Arg). The frequency data for this variant in the population databases is considered unreliable, as metrics indicate poor data quality at this position in the gnomAD database. This variant has not been reported in the literature in individuals affected with COL18A1-related conditions. ClinVar contains an entry for this variant (Variation ID: 1477664). Experimental studies and prediction algorithms are not available or were not evaluated, and the functional significance of this variant is currently unknown. In summary, the available evidence is currently insufficient to determine the role of this variant in disease. Therefore, it has been classified as a Variant of Uncertain Significance.

Blueprint Genetics
Classification: Uncertain significance. Last evaluated: 2021-11-24. Review status: criteria provided, single submitter. Criteria: ACMG Guidelines, 2015. Collection method: clinical testing. Allele origin: germline.